The following is an entry in ClinVar:

NM_004713.6(NEMF):c.3126A>G (p.Arg1042=)

Genes: KLHDC2 (kelch domain containing 2; plus strand), NEMF (nuclear export mediator factor; minus strand). Cytogenetic location: 14q21.3.
Variant type: single nucleotide variant.
Coding change: c.3126A>G on transcript NM_004713.6 (MANE Select); coding-DNA position 3126, A replaced by G.
Protein change: p.Arg1042=; no amino-acid change (arginine 1042 retained).
Molecular consequence: synonymous variant. On other transcripts: 3 prime UTR variant (1).
Genome position (GRCh38, 1-based): chr14:49,784,952, T>C on the plus strand (A>G on the coding strand, the complement: NEMF is on the minus strand). VCF-style: chr14-49784952-T-C. GRCh37 (hg19) VCF-style: chr14-50251670-T-C.
Other names: c.*1999T>C (NM_014315.3); c.3063A>G, p.Arg1021= (NM_001301732.3).
Identifiers: ClinVar variation 779679 (VCV000779679.7), dbSNP rs73283660, ClinGen allele CA7174708.

ClinVar aggregate classification (germline): Benign. Review status: criteria provided, multiple submitters, no conflicts (2 of 4 stars). 3 submissions from 3 submitters: Benign (2). 1 of the submissions does not count toward it. Last evaluated 2019-12-31.

Conditions:
NEMF-related disorder. Also called: NEMF-related condition.

Allele frequency attached by ClinVar (database versions not stated): gnomAD exomes 0.00179 and 0.00067; ESP Exome Variant Server 0.00692; TOPMed 0.00774; 1000 Genomes Project 0.00799; ExAC 0.00215; gnomAD 0.00653 and 0.00704; 1000 Genomes Project 30x 0.00812.
gnomAD v4.1: 2,017 of 1,613,902 alleles (0.12%); highest among the groups gnomAD compares: African/African-American, 2.3%; 33 homozygotes.

Submissions (3):

Labcorp Genetics (formerly Invitae), Labcorp
Classification: Benign. Last evaluated: 2019-12-31. Review status: criteria provided, single submitter. Criteria: Invitae Variant Classification Sherloc (09022015). Collection method: clinical testing. Allele origin: germline.

Breakthrough Genomics
Classification: Benign. Review status: criteria provided, single submitter. Criteria: ACMG Guidelines, 2015. Collection method: not provided. Allele origin: germline. Inheritance: Autosomal recessive inheritance. Affected: yes.

PreventionGenetics, part of Exact Sciences
Classification: Benign for NEMF-related condition. Last evaluated: 2019-10-28. Review status: no assertion criteria provided. Collection method: clinical testing. Allele origin: germline. Not counted in ClinVar's aggregate classification.
Comment: This variant is classified as benign based on ACMG/AMP sequence variant interpretation guidelines (Richards et al. 2015 PMID: 25741868, with internal and published modifications).